The following is an entry in ClinVar:

NM_017986.4(SLC52A1):c.1240G>A (p.Ala414Thr)

Gene: SLC52A1 (solute carrier family 52 member 1; minus strand). Cytogenetic location: 17p13.2.
Variant type: single nucleotide variant.
Coding change: c.1240G>A on transcript NM_017986.4 (MANE Select); coding-DNA position 1240, G replaced by A.
Protein change: p.Ala414Thr; replaces alanine 414 with threonine.
Molecular consequence: missense variant.
Genome position (GRCh38, 1-based): chr17:5,033,064, C>T on the plus strand (G>A on the coding strand, the complement: SLC52A1 is on the minus strand). VCF-style: chr17-5033064-C-T. GRCh37 (hg19) VCF-style: chr17-4936359-C-T.
Other names: c.1240G>A, p.Ala414Thr (NM_001104577.2); short protein forms A414T.
Identifiers: ClinVar variation 583054 (VCV000583054.8), dbSNP rs142353672, ClinGen allele CA8319587.

ClinVar aggregate classification (germline): Uncertain significance (1 of 4 stars; one submission).

Conditions:
Vitamin B2 deficiency. Identifiers: MedGen C0035528.

Allele frequency attached by ClinVar (database versions not stated): ExAC 0.00006; gnomAD 0.00007; ESP Exome Variant Server 0.00008; gnomAD exomes 0.00008 and 0.00016; TOPMed 0.00008.
gnomAD v4.1: 241 of 1,613,578 alleles (0.015%); highest among the groups gnomAD compares: Non-Finnish European, 0.019%; no homozygotes.

Submission:

Labcorp Genetics (formerly Invitae), Labcorp
Classification: Uncertain significance for Vitamin B2 deficiency. Last evaluated: 2025-10-22. Review status: criteria provided, single submitter. Criteria: Invitae Variant Classification Sherloc (09022015). Collection method: clinical testing. Allele origin: germline.
Comment: This sequence change replaces alanine, which is neutral and non-polar, with threonine, which is neutral and polar, at codon 414 of the SLC52A1 protein (p.Ala414Thr). This variant is present in population databases (rs142353672, gnomAD 0.01%). This missense change has been observed in individual(s) with sporadic early onset Parkinson disease (PMID: 23506902). ClinVar contains an entry for this variant (Variation ID: 583054). Invitae Evidence Modeling of protein sequence and biophysical properties (such as structural, functional, and spatial information, amino acid conservation, physicochemical variation, residue mobility, and thermodynamic stability) indicates that this missense variant is not expected to disrupt SLC52A1 protein function with a negative predictive value of 80%. In summary, the available evidence is currently insufficient to determine the role of this variant in disease. Therefore, it has been classified as a Variant of Uncertain Significance.

Literature cited by the submitters: PubMed 23506902.